The following is an entry in ClinVar:

NM_000260.4(MYO7A):c.1006C>T (p.Arg336Cys)

Gene: MYO7A (myosin VIIA; plus strand). Cytogenetic location: 11q13.5.
Variant type: single nucleotide variant.
Coding change: c.1006C>T on transcript NM_000260.4 (MANE Select); coding-DNA position 1006, C replaced by T.
Protein change: p.Arg336Cys; replaces arginine 336 with cysteine.
Molecular consequence: missense variant.
Genome position (GRCh38, 1-based): chr11:77,159,449, C>T. VCF-style: chr11-77159449-C-T. GRCh37 (hg19) VCF-style: chr11-76870495-C-T.
Other names: c.1006C>T, p.Arg336Cys (NM_001127180.2); c.973C>T, p.Arg325Cys (NM_001369365.1); short protein forms R336C, R325C.
Identifiers: ClinVar variation 164665 (VCV000164665.19), dbSNP rs369997614, ClinGen allele CA177368.

ClinVar aggregate classification (germline): Conflicting classifications of pathogenicity. Review status: criteria provided, conflicting classifications (1 of 4 stars). 7 submissions from 5 submitters: Uncertain significance (4); Benign (3). Last evaluated 2026-08-12.

Conditions:
Autosomal dominant nonsyndromic hearing loss 11. Identifiers: Orphanet 90635, MedGen C1832475, MONDO:0011032, OMIM 601317.
Autosomal recessive nonsyndromic hearing loss 2. Also called: NEUROSENSORY NONSYNDROMIC RECESSIVE DEAFNESS 2; DEAFNESS, AUTOSOMAL RECESSIVE 2. Identifiers: Orphanet 90636, MedGen C1838701, MONDO:0010807, OMIM 600060.
Usher syndrome type 1 (USH1). Also called: RETINITIS PIGMENTOSA AND CONGENITAL DEAFNESS. Identifiers: Orphanet 231169, Orphanet 886, MedGen C1568247, MONDO:0010168, OMIM 276900.

Allele frequency attached by ClinVar (database versions not stated): gnomAD 0.00002 and 0.00009; TOPMed 0.00002; ESP Exome Variant Server 0.00008; ExAC 0.00027; 1000 Genomes Project 30x 0.00125; 1000 Genomes Project 0.00160.

Submissions (7):

GeneDx
Classification: Uncertain significance. Last evaluated: 2026-08-12. Review status: criteria provided, single submitter. Criteria: GeneDx Variant Classification Process June 2021. Collection method: clinical testing. Allele origin: germline.
Comment: In silico analysis supports that this missense variant has a deleterious effect on protein structure/function; Has not been previously published as pathogenic or benign to our knowledge

Labcorp Genetics (formerly Invitae), Labcorp
Classification: Benign. Last evaluated: 2025-11-16. Review status: criteria provided, single submitter. Criteria: Invitae Variant Classification Sherloc (09022015). Collection method: clinical testing. Allele origin: germline.

Blueprint Genetics
Classification: Uncertain significance. Last evaluated: 2024-11-21. Review status: criteria provided, single submitter. Criteria: ACMG Guidelines, 2015. Collection method: clinical testing. Allele origin: germline.

Illumina Laboratory Services, Illumina
Classification: Benign for Usher syndrome type 1. Last evaluated: 2017-04-28. Review status: criteria provided, single submitter. Criteria: ICSL Variant Classification Criteria 13 December 2019. Collection method: clinical testing. Allele origin: germline.
Comment: This variant was observed as part of a predisposition screen in an ostensibly healthy population. A literature search was performed for the gene, cDNA change, and amino acid change (where applicable). No publications were found based on this search. Allele frequency data from public databases was too high to be consistent with this variant causing disease. Therefore, this variant is classified as benign.

Illumina Laboratory Services, Illumina
Classification: Benign for Autosomal dominant nonsyndromic hearing loss 11. Last evaluated: 2017-04-28. Review status: criteria provided, single submitter. Criteria: ICSL Variant Classification Criteria 13 December 2019. Collection method: clinical testing. Allele origin: germline.
Comment: the same text as in the submission from Illumina Laboratory Services, Illumina above.

Illumina Laboratory Services, Illumina
Classification: Uncertain significance for Autosomal recessive nonsyndromic hearing loss 2. Last evaluated: 2017-04-28. Review status: criteria provided, single submitter. Criteria: ICSL Variant Classification Criteria 13 December 2019. Collection method: clinical testing. Allele origin: germline.

Laboratory for Molecular Medicine, Mass General Brigham Personalized Medicine
Classification: Uncertain significance. Last evaluated: 2013-06-02. Review status: criteria provided, single submitter. Criteria: LMM Criteria. Collection method: clinical testing. Allele origin: germline. Observed: 1 variant allele.
Comment: The Arg336Cys variant in MYO7A has not been reported in individuals with hearing loss but has been identified in 0.01% (1/8298) of European American chromosomes by the NHLBI Exome Sequencing Project. Comp utational analyses (biochemical amino acid properties, conservation, AlignGVGD, PolyPhen2, and SIFT) do not provide strong support for or against an impact to t he protein. In summary, additional data is needed to determine the clinical sign ificance of this variant.